The following is an entry in ClinVar:

NM_006258.4(PRKG1):c.1099T>C (p.Phe367Leu)

Gene: PRKG1 (protein kinase cGMP-dependent 1; plus strand). Cytogenetic location: 10q21.1.
Variant type: single nucleotide variant.
Coding change: c.1099T>C on transcript NM_006258.4 (MANE Select); coding-DNA position 1099, T replaced by C.
Protein change: p.Phe367Leu; replaces phenylalanine 367 with leucine.
Molecular consequence: missense variant. On other transcripts: 5 prime UTR variant (1).
Genome position (GRCh38, 1-based): chr10:52,251,592, T>C. VCF-style: chr10-52251592-T-C. GRCh37 (hg19) VCF-style: chr10-54011352-T-C.
Other names: c.1054T>C, p.Phe352Leu (NM_001098512.3); c.-111T>C (NM_001374781.1); short protein forms F367L, F352L.
Identifiers: ClinVar variation 2803126 (VCV002803126.3), dbSNP rs2492777129, ClinGen allele CA376534662.

ClinVar aggregate classification (germline): Uncertain significance (1 of 4 stars; one submission).

Conditions:
Aortic aneurysm, familial thoracic 8 (AAT8). Identifiers: MedGen C3809513, MONDO:0014187, OMIM 615436.

Submission:

Labcorp Genetics (formerly Invitae), Labcorp
Classification: Uncertain significance for Aortic aneurysm, familial thoracic 8. Last evaluated: 2023-02-21. Review status: criteria provided, single submitter. Criteria: Invitae Variant Classification Sherloc (09022015). Collection method: clinical testing. Allele origin: germline.
Comment: This variant has not been reported in the literature in individuals affected with PRKG1-related conditions. This variant is not present in population databases (gnomAD no frequency). This sequence change replaces phenylalanine, which is neutral and non-polar, with leucine, which is neutral and non-polar, at codon 367 of the PRKG1 protein (p.Phe367Leu). In summary, the available evidence is currently insufficient to determine the role of this variant in disease. Therefore, it has been classified as a Variant of Uncertain Significance. An algorithm developed to predict the effect of missense changes on protein structure and function (PolyPhen-2) suggests that this variant is likely to be tolerated.